The following is an entry in ClinVar:

NM_006371.5(CRTAP):c.*3454C>T

Gene: CRTAP (cartilage associated protein; plus strand). Cytogenetic location: 3p22.3.
Variant type: single nucleotide variant.
Coding change: c.*3454C>T on transcript NM_006371.5 (MANE Select); 3454 bases downstream of the stop codon, C replaced by T.
Molecular consequence: 3 prime UTR variant.
Genome position (GRCh38, 1-based): chr3:33,145,902, C>T. VCF-style: chr3-33145902-C-T. GRCh37 (hg19) VCF-style: chr3-33187394-C-T.
Identifiers: ClinVar variation 903561 (VCV000903561.4), dbSNP rs140429132, ClinGen allele CA72674622.

ClinVar aggregate classification (germline): Likely benign (1 of 4 stars; one submission).

Conditions:
Osteogenesis imperfecta type 7 (OI7). Also called: OSTEOGENESIS IMPERFECTA, TYPE IIB; Osteogenesis imperfecta type 2B; OI type 2B; Osteogenesis imperfecta, perinatal lethal autosomal recessive; OI type IIB; OI type 7. Identifiers: MedGen C1853162, MONDO:0012536, OMIM 610682.

Allele frequency attached by ClinVar (database versions not stated): gnomAD 0.00395 and 0.00417; TOPMed 0.00398; 1000 Genomes Project 0.00439; 1000 Genomes Project 30x 0.00468.

Submission:

Illumina Laboratory Services, Illumina
Classification: Likely benign for Osteogenesis imperfecta type 7. Last evaluated: 2018-01-12. Review status: criteria provided, single submitter. Criteria: ICSL Variant Classification Criteria 13 December 2019. Collection method: clinical testing. Allele origin: germline.
Comment: This variant was observed in the ICSL laboratory as part of a predisposition screen in an ostensibly healthy population. It had not been previously curated by ICSL or reported in the Human Gene Mutation Database (HGMD: prior to June 1st, 2018), and was therefore a candidate for classification through an automated scoring system. Utilizing variant allele frequency, disease prevalence and penetrance estimates, and inheritance mode, an automated score was calculated to assess if this variant is too frequent to cause the disease. Based on the score and internal cut-off values, a variant classified as likely benign is not then subjected to further curation. The score for this variant resulted in a classification of likely benign for this disease.